The following is an entry in ClinVar:

ClinVar aggregate classification (germline): Uncertain significance. Review status: criteria provided, multiple submitters, no conflicts (2 of 4 stars). 3 submissions from 3 submitters: Uncertain significance (3). Last evaluated 2025-11-11.

Conditions:
Polycystic kidney disease 4 (PKD4). Also called: POLYCYSTIC KIDNEY AND HEPATIC DISEASE 1; POLYCYSTIC KIDNEY DISEASE, INFANTILE, TYPE I; PKD3; Autosomal Recessive Polycystic Kidney Disease – PKHD1; POLYCYSTIC KIDNEY DISEASE 4 WITH OR WITHOUT POLYCYSTIC LIVER DISEASE. Identifiers: MedGen C4540575, MONDO:0033004, OMIM 263200.
Inborn genetic diseases. Identifiers: MedGen C0950123, MeSH D030342.

Allele frequency attached by ClinVar (database versions not stated): gnomAD exomes below 0.00001; TOPMed below 0.00001; gnomAD 0.00001.
gnomAD v4.1: 3 of 1,612,676 alleles (0.00019%); highest among the groups gnomAD compares: Non-Finnish European, 0.00025%; no homozygotes.

Submissions (3):

Ambry Genetics
Classification: Uncertain significance for Inborn genetic diseases. Last evaluated: 2025-11-11. Review status: criteria provided, single submitter. Criteria: Ambry Variant Classification Scheme 2023. Collection method: clinical testing. Allele origin: germline.

Institute of Human Genetics, University of Leipzig Medical Center
Classification: Uncertain significance for Polycystic kidney disease 4. Last evaluated: 2023-07-11. Review status: criteria provided, single submitter. Criteria: ACMG Guidelines, 2015. Collection method: clinical testing. Allele origin: inherited. Inheritance: Autosomal recessive inheritance. Affected: yes.
Comment: Criteria applied: PM2_SUP,PM3_SUP,PP3,PP4

Department of Pathology and Laboratory Medicine, Sinai Health System
Classification: Uncertain significance for Polycystic kidney disease 4. Last evaluated: 2021-06-29. Review status: criteria provided, single submitter. Criteria: ACMG Guidelines, 2015. Collection method: clinical testing. Allele origin: germline.

NM_138694.4(PKHD1):c.10073A>G (p.Asp3358Gly)

Gene: PKHD1 (PKHD1 ciliary IPT domain containing fibrocystin/polyductin; minus strand). Cytogenetic location: 6p12.3.
Variant type: single nucleotide variant.
Coding change: c.10073A>G on transcript NM_138694.4 (MANE Select); coding-DNA position 10073, A replaced by G.
Protein change: p.Asp3358Gly; replaces aspartic acid 3358 with glycine.
Molecular consequence: missense variant.
Genome position (GRCh38, 1-based): chr6:51,744,468, T>C on the plus strand (A>G on the coding strand, the complement: PKHD1 is on the minus strand). VCF-style: chr6-51744468-T-C. GRCh37 (hg19) VCF-style: chr6-51609266-T-C.
Other names: c.10073A>G (NM_138694.3); c.10073A>G, p.Asp3358Gly (NM_170724.3); short protein forms D3358G.
Identifiers: ClinVar variation 2576589 (VCV002576589.4), dbSNP rs1323710410, ClinGen allele CA364418336.